The following is an entry in ClinVar:

ClinVar aggregate classification (germline): Uncertain significance (1 of 4 stars; one submission).

Conditions:
Hereditary cancer-predisposing syndrome. Also called: Hereditary neoplastic syndrome; Neoplastic Syndromes, Hereditary; Tumor predisposition; Hereditary Cancer Syndrome. Identifiers: Orphanet 140162, MedGen C0027672, MeSH D009386, MONDO:0015356.

Submission:

Ambry Genetics
Classification: Uncertain significance for Hereditary cancer-predisposing syndrome. Last evaluated: 2022-07-20. Review status: criteria provided, single submitter. Criteria: Ambry Variant Classification Scheme 2023. Collection method: clinical testing. Allele origin: germline.
Comment: The p.V41M variant (also known as c.121G>A), located in coding exon 2 of the CDH1 gene, results from a G to A substitution at nucleotide position 121. The valine at codon 41 is replaced by methionine, an amino acid with highly similar properties. This amino acid position is highly conserved in available vertebrate species. In addition, this alteration is predicted to be tolerated by in silico analysis. Since supporting evidence is limited at this time, the clinical significance of this alteration remains unclear.

NM_004360.5(CDH1):c.121G>A (p.Val41Met)

Gene: CDH1 (cadherin 1; plus strand). Cytogenetic location: 16q22.1.
Variant type: single nucleotide variant.
Coding change: c.121G>A on transcript NM_004360.5 (MANE Select); coding-DNA position 121, G replaced by A.
Protein change: p.Val41Met; replaces valine 41 with methionine.
Molecular consequence: missense variant. On other transcripts: 5 prime UTR variant (2).
Genome position (GRCh38, 1-based): chr16:68,738,369, G>A. VCF-style: chr16-68738369-G-A. GRCh37 (hg19) VCF-style: chr16-68772272-G-A.
Other names: c.121G>A, p.Val41Met (NM_001317184.2); c.-1495G>A (NM_001317185.2); c.-1699G>A (NM_001317186.2); c.121G>A (LRG_301t1); short protein forms V41M.
Identifiers: ClinVar variation 185797 (VCV000185797.5), dbSNP rs786202465, ClinGen allele CA192978.